The following is an entry in ClinVar:

NM_001851.6(COL9A1):c.1541G>T (p.Gly514Val)

Gene: COL9A1 (collagen type IX alpha 1 chain; minus strand). Cytogenetic location: 6q13.
Variant type: single nucleotide variant.
Coding change: c.1541G>T on transcript NM_001851.6 (MANE Select); coding-DNA position 1541, G replaced by T.
Protein change: p.Gly514Val; replaces glycine 514 with valine.
Molecular consequence: missense variant. On other transcripts: non-coding transcript variant (1).
Genome position (GRCh38, 1-based): chr6:70,255,353, C>A on the plus strand (G>T on the coding strand, the complement: COL9A1 is on the minus strand). VCF-style: chr6-70255353-C-A. GRCh37 (hg19) VCF-style: chr6-70965056-C-A.
Other names: c.812G>T, p.Gly271Val (NM_001377289.1, NM_001377290.1, NM_078485.4); c.1541G>T (NM_001851.4); short protein forms G271V, G514V.
Identifiers: ClinVar variation 1438540 (VCV001438540.6), dbSNP rs1176050943, ClinGen allele CA364677945.
Genomic context (GRCh38, chr6:70,255,353, plus strand): 5'-ACACTGAAAAGCAGGAGGCTTGGAGTGACTGAATTTAAACTCACTCTATCTCCTTTGGGA[C>A]CTGCTTCTCCTGGAGGTCCTCGCTGTCCTTGATCACCCTGTATGAAAATAAAATTTTGTT-3'
Protein context (NP_001842.3, residues 504-524): QGQRGPPGEA[Gly514Val]PKGDRGAEGA

ClinVar aggregate classification (germline): Uncertain significance. Review status: criteria provided, multiple submitters, no conflicts (2 of 4 stars). 2 submissions from 2 submitters: Uncertain significance (2). Last evaluated 2025-04-29.

Conditions:
Inborn genetic diseases. Identifiers: MedGen C0950123, MeSH D030342.

Allele frequency attached by ClinVar (database versions not stated): TOPMed 0.00001; gnomAD 0.00002.
gnomAD v4.1: 3 of 1,614,064 alleles (0.00019%); highest among the groups gnomAD compares: Non-Finnish European, 0.00025%; no homozygotes.

Submissions (2):

Ambry Genetics
Classification: Uncertain significance for Inborn genetic diseases. Last evaluated: 2025-04-29. Review status: criteria provided, single submitter. Criteria: Ambry Variant Classification Scheme 2023. Collection method: clinical testing. Allele origin: germline.

Labcorp Genetics (formerly Invitae), Labcorp
Classification: Uncertain significance. Last evaluated: 2022-03-10. Review status: criteria provided, single submitter. Criteria: Invitae Variant Classification Sherloc (09022015). Collection method: clinical testing. Allele origin: germline.
Comment: This sequence change replaces glycine, which is neutral and non-polar, with valine, which is neutral and non-polar, at codon 514 of the COL9A1 protein (p.Gly514Val). This variant is present in population databases (no rsID available, gnomAD 0.007%). This variant has not been reported in the literature in individuals affected with COL9A1-related conditions. Advanced modeling of protein sequence and biophysical properties (such as structural, functional, and spatial information, amino acid conservation, physicochemical variation, residue mobility, and thermodynamic stability) performed at Invitae indicates that this missense variant is expected to disrupt COL9A1 protein function. In summary, the available evidence is currently insufficient to determine the role of this variant in disease. Therefore, it has been classified as a Variant of Uncertain Significance.